The following is an entry in ClinVar:

ClinVar aggregate classification (germline): Likely benign. Review status: criteria provided, single submitter (1 of 4 stars). 2 submissions from 2 submitters: Likely benign (1). 1 of the submissions does not count toward it. Last evaluated 2025-11-24.

Conditions:
TPP2-related disorder. Also called: TPP2-related condition.
Evans syndrome, immunodeficiency, and premature immunosenescence associated with tripeptidyl-peptidase II deficiency. Identifiers: MedGen CN231723. Disease mechanism: loss of function.

Allele frequency attached by ClinVar (database versions not stated): gnomAD exomes below 0.00001.
gnomAD v4.1: 1 of 1,610,906 alleles (0.000062%); highest among the groups gnomAD compares: Non-Finnish European, 0.000085%; no homozygotes.

Submissions (2):

Labcorp Genetics (formerly Invitae), Labcorp
Classification: Likely benign for Evans syndrome, immunodeficiency, and premature immunosenescence associated with tripeptidyl-peptidase II deficiency. Last evaluated: 2025-11-24. Review status: criteria provided, single submitter. Criteria: Invitae Variant Classification Sherloc (09022015). Collection method: clinical testing. Allele origin: germline.

PreventionGenetics, part of Exact Sciences
Classification: Likely benign for TPP2-related condition. Last evaluated: 2020-08-04. Review status: no assertion criteria provided. Collection method: clinical testing. Allele origin: germline. Not counted in ClinVar's aggregate classification.
Comment: This variant is classified as likely benign based on ACMG/AMP sequence variant interpretation guidelines (Richards et al. 2015 PMID: 25741868, with internal and published modifications).

NM_001330588.2(TPP2):c.3657G>A (p.Val1219=)

Gene: TPP2 (tripeptidyl peptidase 2; plus strand). Cytogenetic location: 13q33.1.
Variant type: single nucleotide variant.
Coding change: c.3657G>A on transcript NM_001330588.2 (MANE Select); coding-DNA position 3657, G replaced by A.
Protein change: p.Val1219=; no amino-acid change (valine 1219 retained).
Molecular consequence: synonymous variant. On other transcripts: non-coding transcript variant (1).
Genome position (GRCh38, 1-based): chr13:102,676,373, G>A. VCF-style: chr13-102676373-G-A. GRCh37 (hg19) VCF-style: chr13-103328723-G-A.
Other names: c.3744G>A, p.Val1248= (NM_001367947.1); c.3618G>A, p.Val1206= (NM_003291.4); c.3618G>A (NM_003291.3).
Identifiers: ClinVar variation 1383429 (VCV001383429.10), dbSNP rs2139626228, ClinGen allele CA484777248.
Genomic context (GRCh38, chr13:102,676,373, plus strand): 5'-TAAACATGCATTAGTAAATAAAATGTATGGGAGAGGCCTTAAATTTGCAACTAAACTTGT[G>A]GAAGAAAAACCAACAAAAGAAAACTGGAAAAATTGTATTCAAGTAAGTGATATTTAAAAT-3'
Protein context (NP_001317517.1, residues 1209-1229): GRGLKFATKL[Val1219=]EEKPTKENWK